The following is an entry in ClinVar:

ClinVar aggregate classification (germline): Uncertain significance (1 of 4 stars; one submission).

Conditions:
Capillary malformation-arteriovenous malformation syndrome. Also called: Capillary malformation-arteriovenous malformation. Identifiers: Orphanet 137667, MedGen C1842180, MONDO:0012016.

Submission:

Labcorp Genetics (formerly Invitae), Labcorp
Classification: Uncertain significance for Capillary malformation-arteriovenous malformation syndrome. Last evaluated: 2024-05-07. Review status: criteria provided, single submitter. Criteria: Invitae Variant Classification Sherloc (09022015). Collection method: clinical testing. Allele origin: germline.
Comment: This sequence change replaces aspartic acid, which is acidic and polar, with tyrosine, which is neutral and polar, at codon 816 of the RASA1 protein (p.Asp816Tyr). This variant is not present in population databases (gnomAD no frequency). This variant has not been reported in the literature in individuals affected with RASA1-related conditions. ClinVar contains an entry for this variant (Variation ID: 1379616). An algorithm developed to predict the effect of missense changes on protein structure and function (PolyPhen-2) suggests that this variant is likely to be disruptive. In summary, the available evidence is currently insufficient to determine the role of this variant in disease. Therefore, it has been classified as a Variant of Uncertain Significance.

NM_002890.3(RASA1):c.2446G>T (p.Asp816Tyr)

Genes: CCNH (cyclin H; minus strand), RASA1 (RAS p21 protein activator 1; plus strand). Cytogenetic location: 5q14.3.
Variant type: single nucleotide variant.
Coding change: c.2446G>T on transcript NM_002890.3 (MANE Select); coding-DNA position 2446, G replaced by T.
Protein change: p.Asp816Tyr; replaces aspartic acid 816 with tyrosine.
Molecular consequence: missense variant. On other transcripts: intron variant (1).
Genome position (GRCh38, 1-based): chr5:87,378,497, G>T. VCF-style: chr5-87378497-G-T. GRCh37 (hg19) VCF-style: chr5-86674314-G-T.
Other names: c.1915G>T, p.Asp639Tyr (NM_022650.3); c.933+16547C>A (NM_001364075.2); short protein forms D639Y, D816Y.
Identifiers: ClinVar variation 1379616 (VCV001379616.7), dbSNP rs1285858795, ClinGen allele CA360382580.
Genomic context (GRCh38, chr5:87,378,497, plus strand): 5'-ACCTTGATGGAGCAGTATATGAAAGCCACTGCTACACAGTTTGTTCATCATGCTTTGAAA[G>T]ACTCTATTTTAAAGATAATGGAAAGCAAGCAGTCTTGTGAGGTAAGAATTTAATGTTTTA-3'
Protein context (NP_002881.1, residues 806-826): ATQFVHHALK[Asp816Tyr]SILKIMESKQ